The following is an entry in ClinVar:

ClinVar aggregate classification (germline): Likely pathogenic (1 of 4 stars; one submission).

Conditions:
Macrocephaly-developmental delay syndrome (MRT41). Also called: INTELLECTUAL DEVELOPMENTAL DISORDER, AUTOSOMAL RECESSIVE 41. Identifiers: Orphanet 397612, MedGen C3810225, MONDO:0014289, OMIM 615637.

gnomAD v4.1: 18 of 1,544,156 alleles (0.0012%); highest among the groups gnomAD compares: Non-Finnish European, 0.0014%; no homozygotes.

Submission:

Women's Health and Genetics/Laboratory Corporation of America, LabCorp
Classification: Likely pathogenic for Macrocephaly-developmental delay syndrome. Last evaluated: 2025-07-07. Review status: criteria provided, single submitter. Criteria: LabCorp Variant Classification Summary - May 2015. Collection method: clinical testing. Allele origin: germline.
Comment: Variant summary: KPTN c.600-1G>T is located in a canonical splice-site and is predicted to affect mRNA splicing resulting in a significantly altered protein due to either exon skipping, shortening, or inclusion of intronic material. Variants that disrupt the consensus splice site are a relatively common cause of aberrant splicing and loss of KPTN function. Several computational tools predict a significant impact on normal splicing: two predict the variant abolishes a 3' acceptor site. However, these predictions have yet to be confirmed by functional studies. The variant allele was found at a frequency of 6.8e-06 in 147340 control chromosomes (gnomAD). To our knowledge, no occurrence of c.600-1G>T in individuals affected with Macrocephaly-Developmental Delay Syndrome and no experimental evidence demonstrating its impact on protein function have been reported. No submitters have cited clinical-significance assessments for this variant to ClinVar. Based on the evidence outlined above, the variant was classified as likely pathogenic.

NM_007059.4(KPTN):c.600-1G>T

Gene: KPTN (kaptin, actin binding protein; minus strand). Cytogenetic location: 19q13.32.
Variant type: single nucleotide variant.
Coding change: c.600-1G>T on transcript NM_007059.4 (MANE Select); the canonical splice acceptor site of the intron before coding-DNA position 600, G replaced by T.
Molecular consequence: splice acceptor variant.
Genome position (GRCh38, 1-based): chr19:47,480,408, C>A on the plus strand (G>T on the coding strand, the complement: KPTN is on the minus strand). VCF-style: chr19-47480408-C-A. GRCh37 (hg19) VCF-style: chr19-47983665-C-A.
Other names: c.432-1G>T (NM_001291296.2).
Identifiers: ClinVar variation 3912025 (VCV003912025.2).